The following is an entry in ClinVar:

NM_001375405.1(CEP120):c.1937G>A (p.Arg646His)

Gene: CEP120 (centrosomal protein 120; minus strand). Cytogenetic location: 5q23.2.
Variant type: single nucleotide variant.
Coding change: c.1937G>A on transcript NM_001375405.1 (MANE Select); coding-DNA position 1937, G replaced by A.
Protein change: p.Arg646His; replaces arginine 646 with histidine.
Molecular consequence: missense variant. On other transcripts: non-coding transcript variant (1).
Genome position (GRCh38, 1-based): chr5:123,382,813, C>T on the plus strand (G>A on the coding strand, the complement: CEP120 is on the minus strand). VCF-style: chr5-123382813-C-T. GRCh37 (hg19) VCF-style: chr5-122718507-C-T.
Other names: c.1859G>A, p.Arg620His (NM_001166226.2); c.1802G>A, p.Arg601His (NM_001375406.1); c.1937G>A, p.Arg646His (NM_001375407.1, NM_153223.4); c.1364G>A, p.Arg455His (NM_001375408.1, NM_001375409.1); c.1937G>A (NM_153223.3); short protein forms R646H, R455H, R620H, R601H.
Identifiers: ClinVar variation 2055383 (VCV002055383.5), dbSNP rs759270074, ClinGen allele CA3386805.

ClinVar aggregate classification (germline): Uncertain significance. Review status: criteria provided, multiple submitters, no conflicts (2 of 4 stars). 4 submissions from 4 submitters: Uncertain significance (4). Last evaluated 2024-05-03.

Conditions:
Short-rib thoracic dysplasia 13 with or without polydactyly (SRTD13). Identifiers: Orphanet 474, MedGen C4225378, MONDO:0014577, OMIM 616300.
Inborn genetic diseases. Identifiers: MedGen C0950123, MeSH D030342.

Allele frequency attached by ClinVar (database versions not stated): ExAC 0.00005; gnomAD 0.00007; TOPMed 0.00011.
gnomAD v4.1: 89 of 1,613,292 alleles (0.0055%); highest among the groups gnomAD compares: Middle Eastern, 0.033%; no homozygotes.

Submissions (4):

GeneDx
Classification: Uncertain significance. Last evaluated: 2024-05-03. Review status: criteria provided, single submitter. Criteria: GeneDx Variant Classification Process June 2021. Collection method: clinical testing. Allele origin: germline. Affected: yes.
Comment: Not observed at significant frequency in large population cohorts (gnomAD); In silico analysis supports that this missense variant has a deleterious effect on protein structure/function; Has not been previously published as pathogenic or benign to our knowledge

Ambry Genetics
Classification: Uncertain significance for Inborn genetic diseases. Last evaluated: 2024-04-20. Review status: criteria provided, single submitter. Criteria: Ambry Variant Classification Scheme 2023. Collection method: clinical testing. Allele origin: germline.

Blueprint Genetics
Classification: Uncertain significance. Last evaluated: 2023-06-02. Review status: criteria provided, single submitter. Criteria: ACMG Guidelines, 2015. Collection method: clinical testing. Allele origin: germline.

Labcorp Genetics (formerly Invitae), Labcorp
Classification: Uncertain significance for Short-rib thoracic dysplasia 13 with or without polydactyly. Last evaluated: 2022-10-17. Review status: criteria provided, single submitter. Criteria: Invitae Variant Classification Sherloc (09022015). Collection method: clinical testing. Allele origin: germline.
Comment: In summary, the available evidence is currently insufficient to determine the role of this variant in disease. Therefore, it has been classified as a Variant of Uncertain Significance. Advanced modeling of protein sequence and biophysical properties (such as structural, functional, and spatial information, amino acid conservation, physicochemical variation, residue mobility, and thermodynamic stability) performed at Invitae indicates that this missense variant is not expected to disrupt CEP120 protein function. This variant has not been reported in the literature in individuals affected with CEP120-related conditions. This variant is present in population databases (rs759270074, gnomAD 0.01%). This sequence change replaces arginine, which is basic and polar, with histidine, which is basic and polar, at codon 646 of the CEP120 protein (p.Arg646His).